The following is an entry in ClinVar:

ClinVar aggregate classification (germline): Uncertain significance (1 of 4 stars; one submission).

Allele frequency attached by ClinVar (database versions not stated): gnomAD exomes 0.00003 and 0.00012; 1000 Genomes Project 30x 0.00016; ExAC 0.00017; 1000 Genomes Project 0.00020; gnomAD 0.00044 and 0.00051; TOPMed 0.00052; ESP Exome Variant Server 0.00085.
gnomAD v4.1: 120 of 1,562,264 alleles (0.0077%); highest among the groups gnomAD compares: African/African-American, 0.13%; no homozygotes.

Submission:

Labcorp Genetics (formerly Invitae), Labcorp
Classification: Uncertain significance. Last evaluated: 2025-12-22. Review status: criteria provided, single submitter. Criteria: Invitae Variant Classification Sherloc (09022015). Collection method: clinical testing. Allele origin: germline.
Comment: This sequence change replaces valine, which is neutral and non-polar, with isoleucine, which is neutral and non-polar, at codon 620 of the GUF1 protein (p.Val620Ile). This variant is present in population databases (rs144753997, gnomAD 0.1%), and has an allele count higher than expected for a pathogenic variant. This variant has not been reported in the literature in individuals affected with GUF1-related conditions. ClinVar contains an entry for this variant (Variation ID: 1418540). An algorithm developed to predict the effect of missense changes on protein structure and function (PolyPhen-2) suggests that this variant is likely to be disruptive. In summary, the available evidence is currently insufficient to determine the role of this variant in disease. Therefore, it has been classified as a Variant of Uncertain Significance.

NM_021927.3(GUF1):c.1858G>A (p.Val620Ile)

Gene: GUF1 (GTP binding elongation factor GUF1; plus strand). Cytogenetic location: 4p12.
Variant type: single nucleotide variant.
Coding change: c.1858G>A on transcript NM_021927.3 (MANE Select); coding-DNA position 1858, G replaced by A.
Protein change: p.Val620Ile; replaces valine 620 with isoleucine.
Molecular consequence: missense variant.
Genome position (GRCh38, 1-based): chr4:44,697,430, G>A. VCF-style: chr4-44697430-G-A. GRCh37 (hg19) VCF-style: chr4-44699447-G-A.
Other names: c.886G>A, p.Val296Ile (NM_001345867.2, NM_001345869.2); c.1738G>A, p.Val580Ile (NM_001345868.2); short protein forms V296I, V580I, V620I.
Identifiers: ClinVar variation 1418540 (VCV001418540.6), dbSNP rs144753997, ClinGen allele CA2905783.